The following is an entry in ClinVar:

NM_001103.4(ACTN2):c.407C>G (p.Thr136Ser)

Gene: ACTN2 (actinin alpha 2; plus strand). Cytogenetic location: 1q43.
Variant type: single nucleotide variant.
Coding change: c.407C>G on transcript NM_001103.4 (MANE Select); coding-DNA position 407, C replaced by G.
Protein change: p.Thr136Ser; replaces threonine 136 with serine.
Molecular consequence: missense variant. On other transcripts: non-coding transcript variant (1).
Genome position (GRCh38, 1-based): chr1:236,720,150, C>G. VCF-style: chr1-236720150-C-G. GRCh37 (hg19) VCF-style: chr1-236883450-C-G.
Other names: c.407C>G, p.Thr136Ser (NM_001278343.2); short protein forms T136S.
Identifiers: ClinVar variation 4782912 (VCV004782912.1).

ClinVar aggregate classification (germline): Uncertain significance (1 of 4 stars; one submission).

Conditions:
Primary familial hypertrophic cardiomyopathy (HCM). Identifiers: Orphanet 99739, MedGen C0949658, MeSH D024741, MONDO:0024573. Inheritance: Various modes of inheritance.
Dilated cardiomyopathy 1AA (CMD1AA). Also called: CARDIOMYOPATHY, DILATED, 1AA, WITH OR WITHOUT LEFT VENTRICULAR NONCOMPACTION; CARDIOMYOPATHY, FAMILIAL HYPERTROPHIC, 23, WITH OR WITHOUT LEFT VENTRICULAR NONCOMPACTION; Cardiomyopathy, dilated, 1AA, with or without LVNC. Identifiers: Orphanet 154, MedGen C2677338, MONDO:0012808, OMIM 612158.

gnomAD v4.1: 3 of 1,613,764 alleles (0.00019%); highest among the groups gnomAD compares: Non-Finnish European, 0.00025%; no homozygotes.

Submission:

Labcorp Genetics (formerly Invitae), Labcorp
Classification: Uncertain significance for Primary familial hypertrophic cardiomyopathy; Dilated cardiomyopathy 1AA. Last evaluated: 2025-04-27. Review status: criteria provided, single submitter. Criteria: Invitae Variant Classification Sherloc (09022015). Collection method: clinical testing. Allele origin: germline.
Comment: This sequence change replaces threonine, which is neutral and polar, with serine, which is neutral and polar, at codon 136 of the ACTN2 protein (p.Thr136Ser). This variant is present in population databases (no rsID available, gnomAD 0.0009%). This variant has not been reported in the literature in individuals affected with ACTN2-related conditions. Invitae Evidence Modeling of protein sequence and biophysical properties (such as structural, functional, and spatial information, amino acid conservation, physicochemical variation, residue mobility, and thermodynamic stability) indicates that this missense variant is not expected to disrupt ACTN2 protein function with a negative predictive value of 80%. In summary, the available evidence is currently insufficient to determine the role of this variant in disease. Therefore, it has been classified as a Variant of Uncertain Significance.